The following is an entry in ClinVar:

ClinVar aggregate classification (germline): Uncertain significance (1 of 4 stars; one submission).

Submission:

GeneDx
Classification: Uncertain significance. Last evaluated: 2025-10-25. Review status: criteria provided, single submitter. Criteria: GeneDx Variant Classification Process June 2021. Collection method: clinical testing. Allele origin: germline.
Comment: Has not been previously published as pathogenic or benign to our knowledge; In silico analysis supports that this missense variant has a deleterious effect on protein structure/function; Not observed at significant frequency in large population cohorts (gnomAD)

NM_001394062.1(MACF1):c.3096G>C (p.Glu1032Asp)

Gene: MACF1 (microtubule actin crosslinking factor 1; plus strand). Cytogenetic location: 1p34.3.
Variant type: single nucleotide variant.
Coding change: c.3096G>C on transcript NM_001394062.1 (MANE Select); coding-DNA position 3096, G replaced by C.
Protein change: p.Glu1032Asp; replaces glutamic acid 1032 with aspartic acid.
Molecular consequence: missense variant.
Genome position (GRCh38, 1-based): chr1:39,310,424, G>C. VCF-style: chr1-39310424-G-C. GRCh37 (hg19) VCF-style: chr1-39776096-G-C.
Other names: c.3111G>C, p.Glu1037Asp (NM_012090.5); short protein forms E1032D, E1037D.
Identifiers: ClinVar variation 2663633 (VCV002663633.2), dbSNP rs2521737410, ClinGen allele CA339778905.